The following is an entry in ClinVar:

ClinVar aggregate classification (germline): Uncertain significance (1 of 4 stars; one submission).

gnomAD v4.1: 3 of 1,613,802 alleles (0.00019%); highest among the groups gnomAD compares: East Asian, 0.0022%; no homozygotes.

Submission:

GeneDx
Classification: Uncertain significance. Last evaluated: 2022-07-15. Review status: criteria provided, single submitter. Criteria: GeneDx Variant Classification Process June 2021. Collection method: clinical testing. Allele origin: germline. Affected: yes.
Comment: In silico analysis supports that this missense variant has a deleterious effect on protein structure/function; Missense variant in a gene in which most reported pathogenic variants are truncating/loss of function; Has not been previously published as pathogenic or benign to our knowledge

NM_015570.4(AUTS2):c.467G>T (p.Arg156Leu)

Gene: AUTS2 (activator of transcription and developmental regulator AUTS2; plus strand). Cytogenetic location: 7q11.22.
Variant type: single nucleotide variant.
Coding change: c.467G>T on transcript NM_015570.4 (MANE Select); coding-DNA position 467, G replaced by T.
Protein change: p.Arg156Leu; replaces arginine 156 with leucine.
Molecular consequence: missense variant.
Genome position (GRCh38, 1-based): chr7:69,899,443, G>T. VCF-style: chr7-69899443-G-T. GRCh37 (hg19) VCF-style: chr7-69364429-G-T.
Other names: c.467G>T, p.Arg156Leu (NM_001127231.3, NM_001127232.3); short protein forms R156L.
Identifiers: ClinVar variation 1878979 (VCV001878979.1), dbSNP rs141278123, ClinGen allele CA367703659.